The following is an entry in ClinVar:

NM_001440.4(EXTL3):c.1667G>T (p.Arg556Leu)

Gene: EXTL3 (exostosin like glycosyltransferase 3; plus strand). Cytogenetic location: 8p21.1.
Variant type: single nucleotide variant.
Coding change: c.1667G>T on transcript NM_001440.4 (MANE Select); coding-DNA position 1667, G replaced by T.
Protein change: p.Arg556Leu; replaces arginine 556 with leucine.
Molecular consequence: missense variant.
Genome position (GRCh38, 1-based): chr8:28,717,726, G>T. VCF-style: chr8-28717726-G-T. GRCh37 (hg19) VCF-style: chr8-28575243-G-T.
Other names: short protein forms R556L.
Identifiers: ClinVar variation 2070289 (VCV002070289.1), dbSNP rs369743761, ClinGen allele CA370860472.

ClinVar aggregate classification (germline): Uncertain significance (1 of 4 stars; one submission).

gnomAD v4.1: 12 of 1,614,132 alleles (0.00074%); highest among the groups gnomAD compares: Non-Finnish European, 0.00093%; no homozygotes.

Submission:

Labcorp Genetics (formerly Invitae), Labcorp
Classification: Uncertain significance. Last evaluated: 2022-06-18. Review status: criteria provided, single submitter. Criteria: Invitae Variant Classification Sherloc (09022015). Collection method: clinical testing. Allele origin: germline.
Comment: This sequence change replaces arginine, which is basic and polar, with leucine, which is neutral and non-polar, at codon 556 of the EXTL3 protein (p.Arg556Leu). This variant is present in population databases (no rsID available, gnomAD 0.002%). This variant has not been reported in the literature in individuals affected with EXTL3-related conditions. Algorithms developed to predict the effect of missense changes on protein structure and function are either unavailable or do not agree on the potential impact of this missense change (SIFT: "Deleterious"; PolyPhen-2: "Benign"; Align-GVGD: "Class C35"). In summary, the available evidence is currently insufficient to determine the role of this variant in disease. Therefore, it has been classified as a Variant of Uncertain Significance.